The following is an entry in ClinVar:

ClinVar aggregate classification (germline): Uncertain significance (1 of 4 stars; one submission).

Allele frequency attached by ClinVar (database versions not stated): gnomAD 0.00001.
gnomAD v4.1: 1 of 1,612,556 alleles (0.000062%); highest among the groups gnomAD compares: Admixed American, 0.0017%; no homozygotes.

Submission:

GeneDx
Classification: Uncertain significance. Last evaluated: 2014-09-08. Review status: criteria provided, single submitter. Criteria: GeneDx Variant Classification (06012015). Collection method: clinical testing. Allele origin: germline. Affected: yes.
Comment: p.Pro1299Leu (CCT>CTT): c.3896 C>T in exon 32 of the ABCC9 gene (NM_020297.2). The P1299L variant has not been published as a mutation, nor has it been reported as a benign polymorphism to our knowledge. The P1299L variant was not observed in approximately 6,500 individuals of European and African American ancestry in the NHLBI Exome Sequencing Project, indicating it is not a common benign variant in these populations. The P1299L variant is a semi-conservative amino acid substitution, which may impact secondary protein structure as these residues differ in some properties. Additionally, this substitution occurs at a position that is conserved among mammals. However, in silico analysis is inconsistent in its predictions as to whether or not the variant is damaging to the protein structure/function. Furthermore, missense mutations in nearby residues have not been reported indicating this region of the protein may be tolerant of change. Therefore, based on the currently available information, it is unclear whether this variant is a pathogenic mutation or a rare benign variant and is interpreted to be a variant of unknown significance. The variant is found in CARDIOMYOPATHY panel(s).

NM_020297.4(ABCC9):c.3896C>T (p.Pro1299Leu)

Genes: ABCC9 (ATP binding cassette subfamily C member 9; minus strand), KCNJ8-AS1 (KCNJ8 antisense RNA 1; plus strand). Cytogenetic location: 12p12.1.
Variant type: single nucleotide variant.
Coding change: c.3896C>T on transcript NM_020297.4 (MANE Select); coding-DNA position 3896, C replaced by T.
Protein change: p.Pro1299Leu; replaces proline 1299 with leucine.
Molecular consequence: missense variant.
Genome position (GRCh38, 1-based): chr12:21,815,890, G>A on the plus strand (C>T on the coding strand, the complement: ABCC9 is on the minus strand). VCF-style: chr12-21815890-G-A. GRCh37 (hg19) VCF-style: chr12-21968824-G-A.
Other names: p.P1299L:CCT>CTT; c.3896C>T, p.Pro1299Leu (NM_001377273.1, NM_005691.4); c.3029C>T, p.Pro1010Leu (NM_001377274.1); short protein forms P1299L, P1010L.
Identifiers: ClinVar variation 201621 (VCV000201621.2), dbSNP rs794728957, ClinGen allele CA308206.